The following is an entry in ClinVar:

NM_004369.4(COL6A3):c.5839-9T>C

Gene: COL6A3 (collagen type VI alpha 3 chain; minus strand). Cytogenetic location: 2q37.3.
Variant type: single nucleotide variant.
Coding change: c.5839-9T>C on transcript NM_004369.4 (MANE Select); 9 bases into the intron before coding-DNA position 5839, T replaced by C.
Molecular consequence: intron variant.
Genome position (GRCh38, 1-based): chr2:237,364,437, A>G on the plus strand (T>C on the coding strand, the complement: COL6A3 is on the minus strand). VCF-style: chr2-237364437-A-G. GRCh37 (hg19) VCF-style: chr2-238273080-A-G.
Other names: c.4018-9T>C (NM_057166.5); c.5221-9T>C (NM_057167.4).
Identifiers: ClinVar variation 388947 (VCV000388947.10), dbSNP rs745307761, ClinGen allele CA2188553.
Genomic context (GRCh38, chr2:237,364,437, plus strand): 5'-TGTGTAAATCAGCCAGATCTCCGTCTGCTCCATCAGTAAAATGAATGACCACCTGCAGAT[A>G]AGAGAGCTGTCAAATCCCAGGAAAACTAAAAAGGAGTGTTGCAGACTGCTGATAGAAAAC-3'

ClinVar aggregate classification (germline): Likely benign. Review status: criteria provided, multiple submitters, no conflicts (2 of 4 stars). 2 submissions from 2 submitters: Likely benign (2). Last evaluated 2025-04-23.

Conditions:
Bethlem myopathy 1A. Also called: MYOPATHY, BENIGN CONGENITAL, WITH CONTRACTURES; Bethlem Muscular Dystrophy; Bethlem myopathy 1. Identifiers: Orphanet 610, MedGen CN029274, MONDO:0024530, OMIM 158810.

Allele frequency attached by ClinVar (database versions not stated): TOPMed below 0.00001.
gnomAD v4.1: 5 of 1,608,888 alleles (0.00031%); highest among the groups gnomAD compares: Non-Finnish European, 0.00043%; no homozygotes.

Submissions (2):

Labcorp Genetics (formerly Invitae), Labcorp
Classification: Likely benign for Bethlem myopathy 1A. Last evaluated: 2025-04-23. Review status: criteria provided, single submitter. Criteria: Invitae Variant Classification Sherloc (09022015). Collection method: clinical testing. Allele origin: germline.

GeneDx
Classification: Likely benign. Last evaluated: 2016-08-31. Review status: criteria provided, single submitter. Criteria: GeneDx Variant Classification (06012015). Collection method: clinical testing. Allele origin: germline. Affected: yes.
Comment: This variant is considered likely benign or benign based on one or more of the following criteria: it is a conservative change, it occurs at a poorly conserved position in the protein, it is predicted to be benign by multiple in silico algorithms, and/or has population frequency not consistent with disease.